The following is an entry in ClinVar:

ClinVar aggregate classification (germline): Likely pathogenic (1 of 4 stars; one submission).

Conditions:
Charcot-Marie-Tooth disease type 2. Also called: Charcot-Marie-Tooth type 2. Identifiers: Orphanet 64746, MedGen C0270914, MONDO:0018993.

Submission:

Labcorp Genetics (formerly Invitae), Labcorp
Classification: Likely pathogenic for Charcot-Marie-Tooth disease type 2. Last evaluated: 2024-06-09. Review status: criteria provided, single submitter. Criteria: Invitae Variant Classification Sherloc (09022015). Collection method: clinical testing. Allele origin: germline.
Comment: This sequence change replaces threonine, which is neutral and polar, with serine, which is neutral and polar, at codon 10 of the LMNA protein (p.Thr10Ser). This variant is not present in population databases (gnomAD no frequency). This variant has not been reported in the literature in individuals affected with LMNA-related conditions. Advanced modeling of protein sequence and biophysical properties (such as structural, functional, and spatial information, amino acid conservation, physicochemical variation, residue mobility, and thermodynamic stability) performed at Invitae indicates that this missense variant is expected to disrupt LMNA protein function with a positive predictive value of 95%. This variant disrupts the p.Thr10 amino acid residue in LMNA. Other variant(s) that disrupt this residue have been determined to be pathogenic (PMID: 29267953). This suggests that this residue is clinically significant, and that variants that disrupt this residue are likely to be disease-causing. In summary, the currently available evidence indicates that the variant is pathogenic, but additional data are needed to prove that conclusively. Therefore, this variant has been classified as Likely Pathogenic.

Literature cited by the submitters: PubMed 29267953.

NM_170707.4(LMNA):c.28A>T (p.Thr10Ser)

Genes: LMNA (lamin A/C; plus strand), LOC129931597 (ATAC-STARR-seq lymphoblastoid silent region 1421; plus strand). Cytogenetic location: 1q22.
Variant type: single nucleotide variant.
Coding change: c.28A>T on transcript NM_170707.4 (MANE Select); coding-DNA position 28, A replaced by T.
Protein change: p.Thr10Ser; replaces threonine 10 with serine.
Molecular consequence: missense variant. On other transcripts: 5 prime UTR variant (8), intron variant (2).
Genome position (GRCh38, 1-based): chr1:156,114,946, A>T. VCF-style: chr1-156114946-A-T. GRCh37 (hg19) VCF-style: chr1-156084737-A-T.
Other names: c.-374A>T (NM_001406995.1, NM_001407002.1, NM_001406990.1); c.-817A>T (NM_001406999.1); c.-637A>T (NM_001407000.1, NM_001406994.1); c.-480A>T (NM_001407001.1); c.28A>T, p.Thr10Ser (NM_005572.4, NM_170708.4, NM_001282625.2 and 6 more transcripts); c.-203+8123A>T (NM_001406993.1, NM_001407003.1); c.-396A>T (NM_001406986.1); short protein forms T10S.
Identifiers: ClinVar variation 3612170 (VCV003612170.2).
Genomic context (GRCh38, chr1:156,114,946, plus strand): 5'-TGCCCCGCGGGCAGCGCTGCCAACCTGCCGGCCATGGAGACCCCGTCCCAGCGGCGCGCC[A>T]CCCGCAGCGGGGCGCAGGCCAGCTCCACTCCGCTGTCGCCCACCCGCATCACCCGGCTGC-3'
Protein context (NP_733821.1, residues 1-20): METPSQRRA[Thr10Ser]RSGAQASSTP